The following is an entry in ClinVar:

NM_018076.5(ODAD2):c.86C>T (p.Ala29Val)

Genes: ODAD2 (outer dynein arm docking complex subunit 2; minus strand), LOC126860891 (CDK7 strongly-dependent group 2 enhancer GRCh37_chr10:28283413-28284612; plus strand). Cytogenetic location: 10p12.1.
Variant type: single nucleotide variant.
Coding change: c.86C>T on transcript NM_018076.5 (MANE Select); coding-DNA position 86, C replaced by T.
Protein change: p.Ala29Val; replaces alanine 29 with valine.
Molecular consequence: missense variant.
Genome position (GRCh38, 1-based): chr10:27,995,057, G>A on the plus strand (C>T on the coding strand, the complement: ODAD2 is on the minus strand). VCF-style: chr10-27995057-G-A. GRCh37 (hg19) VCF-style: chr10-28283986-G-A.
Other names: c.86C>T, p.Ala29Val (NM_001290020.2); c.86C>T (NM_018076.4); short protein forms A29V.
Identifiers: ClinVar variation 474592 (VCV000474592.11), dbSNP rs200574441, ClinGen allele CA5453905.

ClinVar aggregate classification (germline): Conflicting classifications of pathogenicity. Review status: criteria provided, conflicting classifications (1 of 4 stars). 4 submissions from 4 submitters: Uncertain significance (2); Likely benign (2). Last evaluated 2025-03-27.

Conditions:
ODAD2-related disorder. Also called: ODAD2-related condition.
Primary ciliary dyskinesia 23 (CILD23). Also called: CILIARY DYSKINESIA, PRIMARY, 23, WITH OR WITHOUT SITUS INVERSUS. Identifiers: Orphanet 244, MedGen C3809548, MONDO:0014193, OMIM 615451.
Primary ciliary dyskinesia. Also called: Ciliary dyskinesia. Identifiers: Orphanet 244, MedGen C0008780, MONDO:0016575, HP:0012265.

Allele frequency attached by ClinVar (database versions not stated): gnomAD 0.00004 and 0.00019; TOPMed 0.00008; 1000 Genomes Project 30x 0.00109; ExAC 0.00150; 1000 Genomes Project 0.00180.
gnomAD v4.1: 370 of 1,613,014 alleles (0.023%); highest among the groups gnomAD compares: South Asian, 0.33%; 4 homozygotes.

Submissions (4):

ARUP Laboratories, Molecular Genetics and Genomics, ARUP Laboratories
Classification: Uncertain significance for Primary ciliary dyskinesia 23. Last evaluated: 2025-03-27. Review status: criteria provided, single submitter. Criteria: ARUP Molecular Germline Variant Investigation Process 2024. Collection method: clinical testing. Allele origin: germline.
Comment: The ODAD2 c.86C>T; p.Ala29Val variant (rs200574441), to our knowledge, is not reported in the medical literature but is reported in ClinVar (Variation ID: 474592). This variant is found predominantly in the South Asian population with an allele frequency of 0.3% (101/30,352 alleles) in the Genome Aggregation Database (v2.1.1). Computational analyses predict that this variant is neutral (REVEL: 0.012). Due to limited information, the clinical significance of this variant is uncertain at this time.

PreventionGenetics, part of Exact Sciences
Classification: Likely benign for ODAD2-related condition. Last evaluated: 2024-12-26. Review status: criteria provided, single submitter. Criteria: ACMG Guidelines, 2015. Collection method: clinical testing. Allele origin: germline.
Comment: This variant is classified as likely benign based on ACMG/AMP sequence variant interpretation guidelines (Richards et al. 2015 PMID: 25741868, with internal and published modifications).

Ambry Genetics
Classification: Likely benign for Primary ciliary dyskinesia. Last evaluated: 2024-11-17. Review status: criteria provided, single submitter. Criteria: Ambry Variant Classification Scheme 2023. Collection method: clinical testing. Allele origin: germline.

Labcorp Genetics (formerly Invitae), Labcorp
Classification: Uncertain significance for Primary ciliary dyskinesia 23. Last evaluated: 2024-01-10. Review status: criteria provided, single submitter. Criteria: Invitae Variant Classification Sherloc (09022015). Collection method: clinical testing. Allele origin: germline.
Comment: This sequence change replaces alanine, which is neutral and non-polar, with valine, which is neutral and non-polar, at codon 29 of the ARMC4 protein (p.Ala29Val). The frequency data for this variant in the population databases is considered unreliable, as metrics indicate poor data quality at this position in the gnomAD database. This variant has not been reported in the literature in individuals affected with ARMC4-related conditions. ClinVar contains an entry for this variant (Variation ID: 474592). Algorithms developed to predict the effect of missense changes on protein structure and function output the following: SIFT: "Not Available"; PolyPhen-2: "Benign"; Align-GVGD: "Not Available". The valine amino acid residue is found in multiple mammalian species, which suggests that this missense change does not adversely affect protein function. In summary, the available evidence is currently insufficient to determine the role of this variant in disease. Therefore, it has been classified as a Variant of Uncertain Significance.